The following is an entry in ClinVar:

ClinVar aggregate classification (germline): Uncertain significance (1 of 4 stars; one submission).

Conditions:
CHARGE syndrome (CHARGE). Also called: Hittner Hirsch Kreh syndrome; CHARGE ASSOCIATION--COLOBOMA, HEART ANOMALY, CHOANAL ATRESIA, RETARDATION, GENITAL AND EAR ANOMALIES; Coloboma, heart anomaly, choanal atresia, retardation, genital and ear anomalies; CHARGE association; Hall-Hittner syndrome. Identifiers: Orphanet 138, MedGen C0265354, MONDO:0008965.

gnomAD v4.1: 2 of 1,609,550 alleles (0.00012%); highest among the groups gnomAD compares: Non-Finnish European, 0.00017%; no homozygotes.

Submission:

Labcorp Genetics (formerly Invitae), Labcorp
Classification: Uncertain significance for CHARGE syndrome. Last evaluated: 2023-07-03. Review status: criteria provided, single submitter. Criteria: Invitae Variant Classification Sherloc (09022015). Collection method: clinical testing. Allele origin: germline.
Comment: This variant is not present in population databases (gnomAD no frequency). In summary, the available evidence is currently insufficient to determine the role of this variant in disease. Therefore, it has been classified as a Variant of Uncertain Significance. Algorithms developed to predict the effect of sequence changes on RNA splicing suggest that this variant may disrupt the consensus splice site. Advanced modeling of protein sequence and biophysical properties (such as structural, functional, and spatial information, amino acid conservation, physicochemical variation, residue mobility, and thermodynamic stability) performed at Invitae indicates that this missense variant is not expected to disrupt CHD7 protein function. ClinVar contains an entry for this variant (Variation ID: 1985975). This variant has not been reported in the literature in individuals affected with CHD7-related conditions. This sequence change replaces serine, which is neutral and polar, with arginine, which is basic and polar, at codon 574 of the CHD7 protein (p.Ser574Arg).

NM_017780.4(CHD7):c.1722T>G (p.Ser574Arg)

Genes: CHD7 (chromodomain helicase DNA binding protein 7; plus strand), LOC126860403 (CDK7 strongly-dependent group 2 enhancer GRCh37_chr8:61693034-61694233; plus strand). Cytogenetic location: 8q12.2.
Variant type: single nucleotide variant.
Coding change: c.1722T>G on transcript NM_017780.4 (MANE Select); coding-DNA position 1722, T replaced by G.
Protein change: p.Ser574Arg; replaces serine 574 with arginine.
Molecular consequence: missense variant. On other transcripts: intron variant (1).
Genome position (GRCh38, 1-based): chr8:60,781,056, T>G. VCF-style: chr8-60781056-T-G. GRCh37 (hg19) VCF-style: chr8-61693615-T-G.
Other names: c.1716+6T>G (NM_001316690.1); short protein forms S574R.
Identifiers: ClinVar variation 1985975 (VCV001985975.4), dbSNP rs2487536873, ClinGen allele CA371311566.